The following is an entry in ClinVar:

ClinVar aggregate classification (germline): Uncertain significance. Review status: criteria provided, multiple submitters, no conflicts (2 of 4 stars). 2 submissions from 2 submitters: Uncertain significance (2). Last evaluated 2024-07-22.

Conditions:
Inborn genetic diseases. Identifiers: MedGen C0950123, MeSH D030342.

Allele frequency attached by ClinVar (database versions not stated): gnomAD exomes 0.00002; ExAC 0.00003; gnomAD 0.00005; 1000 Genomes Project 30x 0.00016; 1000 Genomes Project 0.00020.
gnomAD v4.1: 43 of 1,605,146 alleles (0.0027%); highest among the groups gnomAD compares: South Asian, 0.034%; no homozygotes.

Submissions (2):

Labcorp Genetics (formerly Invitae), Labcorp
Classification: Uncertain significance. Last evaluated: 2024-07-22. Review status: criteria provided, single submitter. Criteria: Invitae Variant Classification Sherloc (09022015). Collection method: clinical testing. Allele origin: germline.
Comment: This sequence change replaces valine, which is neutral and non-polar, with methionine, which is neutral and non-polar, at codon 375 of the TCIRG1 protein (p.Val375Met). This variant is present in population databases (rs200415611, gnomAD 0.03%). This variant has not been reported in the literature in individuals affected with TCIRG1-related conditions. ClinVar contains an entry for this variant (Variation ID: 2178207). Advanced modeling of protein sequence and biophysical properties (such as structural, functional, and spatial information, amino acid conservation, physicochemical variation, residue mobility, and thermodynamic stability) performed at Invitae indicates that this missense variant is not expected to disrupt TCIRG1 protein function with a negative predictive value of 80%. In summary, the available evidence is currently insufficient to determine the role of this variant in disease. Therefore, it has been classified as a Variant of Uncertain Significance.

Ambry Genetics
Classification: Uncertain significance for Inborn genetic diseases. Last evaluated: 2021-08-12. Review status: criteria provided, single submitter. Criteria: Ambry Variant Classification Scheme 2023. Collection method: clinical testing. Allele origin: germline.

NM_006019.4(TCIRG1):c.1123G>A (p.Val375Met)

Gene: TCIRG1 (T cell immune regulator 1, ATPase H+ transporting V0 subunit a3; plus strand). Cytogenetic location: 11q13.2.
Variant type: single nucleotide variant.
Coding change: c.1123G>A on transcript NM_006019.4 (MANE Select); coding-DNA position 1123, G replaced by A.
Protein change: p.Val375Met; replaces valine 375 with methionine.
Molecular consequence: missense variant.
Genome position (GRCh38, 1-based): chr11:68,045,060, G>A. VCF-style: chr11-68045060-G-A. GRCh37 (hg19) VCF-style: chr11-67812527-G-A.
Other names: c.229G>A, p.Val77Met (NM_001351059.2); c.475G>A, p.Val159Met (NM_006053.4); c.1123G>A (NM_006019.3); short protein forms V77M, V375M, V159M.
Identifiers: ClinVar variation 2178207 (VCV002178207.3), dbSNP rs200415611, ClinGen allele CA6146953.
Genomic context (GRCh38, chr11:68,045,060, plus strand): 5'-CGGGACATGCCCCCCACACTCATCCGCACCAACCGCTTCACGGCCAGCTTCCAGGGCATC[G>A]TGGATGCCTACGGCGTGGGCCGCTACCAGGAGGTCAACCCCGGTGAGAGCCACGGCATCC-3'
Protein context (NP_006010.2, residues 365-385): NRFTASFQGI[Val375Met]DAYGVGRYQE